The following is an entry in ClinVar:

ClinVar aggregate classification (germline): Uncertain significance (1 of 4 stars; one submission).

Conditions:
Diets-Jongmans syndrome. Also called: INTELLECTUAL DEVELOPMENTAL DISORDER WITH DISTINCTIVE FACIAL DYSMORPHISM. Identifiers: MedGen C5394263, MONDO:0030012, OMIM 618846.

Submission:

MVZ Medizinische Genetik Mainz
Classification: Uncertain significance for Diets-Jongmans syndrome. Last evaluated: 2023-01-11. Review status: criteria provided, single submitter. Criteria: UK Practice Guidelines For Variant Classification V4 01 2020. Collection method: clinical testing. Allele origin: germline. Inheritance: Autosomal dominant inheritance. Affected: yes. Observed: 1 variant allele.
Comment: ACMG Criteria: PVS1_MOD,PM2_SUP

NM_016604.4(KDM3B):c.1309_1310del (p.Ser437fs)

Gene: KDM3B (lysine demethylase 3B; plus strand). Cytogenetic location: 5q31.2.
Variant type: Microsatellite.
Coding change: c.1309_1310del on transcript NM_016604.4 (MANE Select); coding-DNA positions 1309 to 1310, 2 bases deleted (TC; older notation c.1309_1310delTC).
Protein change: p.Ser437fs; shifts the reading frame from serine 437.
Molecular consequence: frameshift variant.
Genome position (GRCh38, 1-based): chr5:138,386,550-138,386,551, TC deleted; deleting any 2 consecutive bases within chr5:138,386,548-138,386,551 gives the same sequence; the c. name uses the placement nearest the transcript's 3' end. VCF-style (leftmost placement, unchanged base first): chr5-138386547-ATC-A. GRCh37 (hg19) VCF-style: chr5-137722236-ATC-A.
Other names: short protein forms S437fs.
Identifiers: ClinVar variation 3066293 (VCV003066293.1), dbSNP rs2480191306, ClinGen allele CA2740098084.
Genomic context (GRCh38, chr5:138,386,547, plus strand): 5'-GGCATAGTGGCTTCCGCAGCTGTGGTCACTACCGCCAGCTCCACCCCAAACACAGTGAGG[ATC>A]TCAGACACTGGCCTTGCAGCAGGGACTGTGCCAGAAAAACAGAAAGGCAGCCGGTCGCAG-3'